The following is an entry in ClinVar:

ClinVar aggregate classification (germline): Uncertain significance. Review status: criteria provided, single submitter (1 of 4 stars). 2 submissions from 2 submitters: Uncertain significance (1). 1 of the submissions does not count toward it. Last evaluated 2022-05-05.

Conditions:
SOS2-related disorder. Also called: SOS2-related condition.
Noonan syndrome 9 (NS9). Identifiers: Orphanet 648, MedGen C4225282, MONDO:0014691, OMIM 616559.

Allele frequency attached by ClinVar (database versions not stated): gnomAD exomes below 0.00001.
gnomAD v4.1: 2 of 1,613,374 alleles (0.00012%); highest among the groups gnomAD compares: Non-Finnish European, 0.00017%; no homozygotes.

Submissions (2):

Labcorp Genetics (formerly Invitae), Labcorp
Classification: Uncertain significance for Noonan syndrome 9. Last evaluated: 2022-05-05. Review status: criteria provided, single submitter. Criteria: Invitae Variant Classification Sherloc (09022015). Collection method: clinical testing. Allele origin: germline.
Comment: Advanced modeling of protein sequence and biophysical properties (such as structural, functional, and spatial information, amino acid conservation, physicochemical variation, residue mobility, and thermodynamic stability) performed at Invitae indicates that this missense variant is not expected to disrupt SOS2 protein function. This variant has not been reported in the literature in individuals affected with SOS2-related conditions. This variant is not present in population databases (gnomAD no frequency). This sequence change replaces serine, which is neutral and polar, with phenylalanine, which is neutral and non-polar, at codon 1111 of the SOS2 protein (p.Ser1111Phe). In summary, the available evidence is currently insufficient to determine the role of this variant in disease. Therefore, it has been classified as a Variant of Uncertain Significance.

PreventionGenetics, part of Exact Sciences
Classification: Uncertain significance for SOS2-related condition. Last evaluated: 2023-11-02. Review status: no assertion criteria provided. Collection method: clinical testing. Allele origin: germline. Not counted in ClinVar's aggregate classification.
Comment: The SOS2 c.3332C>T variant is predicted to result in the amino acid substitution p.Ser1111Phe. To our knowledge, this variant has not been reported in the literature or in a large population database, indicating this variant is rare. At this time, the clinical significance of this variant is uncertain due to the absence of conclusive functional and genetic evidence.

NM_006939.4(SOS2):c.3332C>T (p.Ser1111Phe)

Gene: SOS2 (SOS Ras/Rho guanine nucleotide exchange factor 2; minus strand). Cytogenetic location: 14q21.3.
Variant type: single nucleotide variant.
Coding change: c.3332C>T on transcript NM_006939.4 (MANE Select); coding-DNA position 3332, C replaced by T.
Protein change: p.Ser1111Phe; replaces serine 1111 with phenylalanine.
Molecular consequence: missense variant.
Genome position (GRCh38, 1-based): chr14:50,130,506, G>A on the plus strand (C>T on the coding strand, the complement: SOS2 is on the minus strand). VCF-style: chr14-50130506-G-A. GRCh37 (hg19) VCF-style: chr14-50597224-G-A.
Other names: c.3233C>T, p.Ser1078Phe (NM_001411020.1); short protein forms S1111F, S1078F.
Identifiers: ClinVar variation 2162547 (VCV002162547.6), dbSNP rs2502824417, ClinGen allele CA389640336.